The following is an entry in ClinVar:

NM_005085.4(NUP214):c.1720C>T (p.Pro574Ser)

Gene: NUP214 (nucleoporin 214; plus strand). Cytogenetic location: 9q34.13.
Variant type: single nucleotide variant.
Coding change: c.1720C>T on transcript NM_005085.4 (MANE Select); coding-DNA position 1720, C replaced by T.
Protein change: p.Pro574Ser; replaces proline 574 with serine.
Molecular consequence: missense variant.
Genome position (GRCh38, 1-based): chr9:131,144,705, C>T. VCF-style: chr9-131144705-C-T. GRCh37 (hg19) VCF-style: chr9-134020092-C-T.
Other names: c.1720C>T, p.Pro574Ser (NM_001318324.2); short protein forms P574S.
Identifiers: ClinVar variation 1273040 (VCV001273040.4), dbSNP rs103612, ClinGen allele CA5289084.

ClinVar aggregate classification (germline): Benign. Review status: criteria provided, multiple submitters, no conflicts (2 of 4 stars). 3 submissions from 3 submitters: Benign (2). 1 of the submissions does not count toward it. Last evaluated 2019-07-02.

Conditions:
NUP214-related disorder. Also called: NUP214-related disorders; NUP214-related condition.

Allele frequency attached by ClinVar (database versions not stated): 1000 Genomes Project 30x 0.63944; 1000 Genomes Project 0.64197; ExAC 0.66406; ESP Exome Variant Server 0.66869; gnomAD exomes 0.66998 and 0.67178; gnomAD 0.67719 and 0.68250; TOPMed 0.68446.
gnomAD v4.1: 1,084,136 of 1,612,994 alleles (67%); highest among the groups gnomAD compares: Admixed American, 77%; 365,913 homozygotes.

Submissions (3):

GeneDx
Classification: Benign. Last evaluated: 2019-07-02. Review status: criteria provided, single submitter. Criteria: GeneDx Variant Classification Process June 2021. Collection method: clinical testing. Allele origin: germline. Affected: yes.

Breakthrough Genomics
Classification: Benign. Review status: criteria provided, single submitter. Criteria: ACMG Guidelines, 2015. Collection method: not provided. Allele origin: germline. Inheritance: Autosomal recessive inheritance. Affected: yes.

PreventionGenetics, part of Exact Sciences
Classification: Benign for NUP214-related condition. Last evaluated: 2019-10-17. Review status: no assertion criteria provided. Collection method: clinical testing. Allele origin: germline. Not counted in ClinVar's aggregate classification.
Comment: This variant is classified as benign based on ACMG/AMP sequence variant interpretation guidelines (Richards et al. 2015 PMID: 25741868, with internal and published modifications).